The following is an entry in ClinVar:

ClinVar aggregate classification (germline): Uncertain significance (1 of 4 stars; one submission).

Allele frequency attached by ClinVar (database versions not stated): gnomAD exomes below 0.00001.
gnomAD v4.1: 1 of 1,614,074 alleles (0.000062%); highest among the groups gnomAD compares: Non-Finnish European, 0.000085%; no homozygotes.

Submission:

GeneDx
Classification: Uncertain significance. Last evaluated: 2021-04-09. Review status: criteria provided, single submitter. Criteria: GeneDx Variant Classification Process June 2021. Collection method: clinical testing. Allele origin: germline. Affected: yes.
Comment: Not observed in large population cohorts (Lek et al., 2016); In silico analysis supports that this missense variant has a deleterious effect on protein structure/function; Has not been previously published as pathogenic or benign to our knowledge

NM_000834.5(GRIN2B):c.2138G>T (p.Gly713Val)

Gene: GRIN2B (glutamate ionotropic receptor NMDA type subunit 2B; minus strand). Cytogenetic location: 12p13.1.
Variant type: single nucleotide variant.
Coding change: c.2138G>T on transcript NM_000834.5 (MANE Select); coding-DNA position 2138, G replaced by T.
Protein change: p.Gly713Val; replaces glycine 713 with valine.
Molecular consequence: missense variant.
Genome position (GRCh38, 1-based): chr12:13,571,837, C>A on the plus strand (G>T on the coding strand, the complement: GRIN2B is on the minus strand). VCF-style: chr12-13571837-C-A. GRCh37 (hg19) VCF-style: chr12-13724771-C-A.
Other names: short protein forms G713V.
Identifiers: ClinVar variation 1313215 (VCV001313215.2), dbSNP rs1454642871, ClinGen allele CA383998967.